The following is an entry in ClinVar:

ClinVar aggregate classification (germline): Likely pathogenic (1 of 4 stars; one submission).

Conditions:
Wilms tumor 1 (WT1). Also called: Wilms tumor, somatic. Identifiers: Orphanet 654, MedGen CN033288, MONDO:0008679, OMIM 194070.
Simpson-Golabi-Behmel syndrome type 1 (SGBS1). Also called: SIMPSON DYSMORPHIA SYNDROME; BULLDOG SYNDROME; DYSPLASIA GIGANTISM SYNDROME, X-LINKED; GOLABI-ROSEN SYNDROME; GPC3-Related Simpson-Golabi-Behmel Syndrome Type 1. Identifiers: Orphanet 373, MedGen C0796154, MONDO:0020602, OMIM 312870.

Submission:

Juno Genomics, Hangzhou Juno Genomics, Inc
Classification: Likely pathogenic for Simpson-Golabi-Behmel syndrome type 1; Wilms tumor 1. Review status: criteria provided, single submitter. Criteria: ACMG Guidelines, 2015. Collection method: clinical testing. Allele origin: germline.
Comment: Absent from controls (or at extremely low frequency if recessive) in Genome Aggregation Database.;Null variant in a gene where loss of function (LOF) is a known mechanism of disease.

NM_004484.4(GPC3):c.783del (p.Cys262fs)

Gene: GPC3 (glypican 3; minus strand). Cytogenetic location: Xq26.2.
Variant type: Deletion.
Coding change: c.783del on transcript NM_004484.4 (MANE Select); coding-DNA position 783, one base deleted (C; older notation c.783delC).
Protein change: p.Cys262fs; shifts the reading frame from cysteine 262.
Molecular consequence: frameshift variant.
Genome position (GRCh38, 1-based): chrX:133,753,731, G deleted on the plus strand (C on the coding strand, the reverse complement: GPC3 is on the minus strand). VCF-style (leftmost placement, unchanged base first): chrX-133753730-AG-A. GRCh37 (hg19) VCF-style: chrX-132887757-AG-A.
Other names: c.783del, p.Cys262fs (NM_001164617.2); c.735del, p.Cys246fs (NM_001164618.2); c.621del, p.Cys208fs (NM_001164619.2); short protein forms C208fs, C246fs, C262fs.
Identifiers: ClinVar variation 5019772 (VCV005019772.2).